The following is an entry in ClinVar:

NM_016120.4(RLIM):c.83G>A (p.Arg28Gln)

Gene: RLIM (ring finger protein, LIM domain interacting; minus strand). Cytogenetic location: Xq13.2.
Variant type: single nucleotide variant.
Coding change: c.83G>A on transcript NM_016120.4 (MANE Select); coding-DNA position 83, G replaced by A.
Protein change: p.Arg28Gln; replaces arginine 28 with glutamine.
Molecular consequence: missense variant.
Genome position (GRCh38, 1-based): chrX:74,595,895, C>T on the plus strand (G>A on the coding strand, the complement: RLIM is on the minus strand). VCF-style: chrX-74595895-C-T. GRCh37 (hg19) VCF-style: chrX-73815730-C-T.
Other names: c.83G>A, p.Arg28Gln (NM_183353.3); short protein forms R28Q.
Identifiers: ClinVar variation 1303725 (VCV001303725.2), dbSNP rs1414939435, ClinGen allele CA413665535.

ClinVar aggregate classification (germline): Uncertain significance (1 of 4 stars; one submission).

Allele frequency attached by ClinVar (database versions not stated): gnomAD exomes below 0.00001 and 0.00001.
gnomAD v4.1: 1 of 1,205,569 alleles (0.000083%); highest among the groups gnomAD compares: Admixed American, 0.0022%; no homozygotes.

Submission:

GeneDx
Classification: Uncertain significance. Last evaluated: 2020-04-20. Review status: criteria provided, single submitter. Criteria: GeneDx Variant Classification Process June 2021. Collection method: clinical testing. Allele origin: germline. Affected: yes.
Comment: Not observed at a significant frequency in large population cohorts (Lek et al., 2016); In silico analysis supports that this missense variant has a deleterious effect on protein structure/function; Has not been previously published as pathogenic or benign to our knowledge